The following is an entry in ClinVar:

NM_015570.4(AUTS2):c.2005-1G>C

Gene: AUTS2 (activator of transcription and developmental regulator AUTS2; plus strand). Cytogenetic location: 7q11.22.
Variant type: single nucleotide variant.
Coding change: c.2005-1G>C on transcript NM_015570.4 (MANE Select); the canonical splice acceptor site of the intron before coding-DNA position 2005, G replaced by C.
Molecular consequence: splice acceptor variant.
Genome position (GRCh38, 1-based): chr7:70,781,614, G>C. VCF-style: chr7-70781614-G-C. GRCh37 (hg19) VCF-style: chr7-70246600-G-C.
Other names: c.1933-1G>C (NM_001127231.3).
Identifiers: ClinVar variation 2429100 (VCV002429100.6), dbSNP rs1348011365, ClinGen allele CA367662987.

ClinVar aggregate classification (germline): Likely pathogenic. Review status: criteria provided, multiple submitters, no conflicts (2 of 4 stars). 2 submissions from 2 submitters: Likely pathogenic (2). Last evaluated 2026-09-09.

Conditions:
Autism spectrum disorder due to AUTS2 deficiency (MRD26). Also called: INTELLECTUAL DEVELOPMENTAL DISORDER, AUTOSOMAL DOMINANT 26. Identifiers: Orphanet 352490, MedGen C4014435, MONDO:0014361, OMIM 615834.

Allele frequency attached by ClinVar (database versions not stated): TOPMed 0.00001.

Submissions (2):

GeneDx
Classification: Likely pathogenic. Last evaluated: 2026-09-09. Review status: criteria provided, single submitter. Criteria: GeneDx Variant Classification Process June 2021. Collection method: clinical testing. Allele origin: germline.
Comment: Canonical splice site variant predicted to result in a null allele in a gene for which loss of function is a known mechanism of disease; Not observed at significant frequency in large population cohorts (gnomAD); Has not been previously published as pathogenic or benign to our knowledge

Greenwood Genetic Center Diagnostic Laboratories, Greenwood Genetic Center
Classification: Likely pathogenic for Autism spectrum disorder due to AUTS2 deficiency. Last evaluated: 2022-11-14. Review status: criteria provided, single submitter. Criteria: ACMG Guidelines, 2015. Collection method: clinical testing. Allele origin: germline. Affected: yes.
Comment: PVS1, PM2